The following is an entry in ClinVar:

NM_001145715.3(KPNA7):c.89C>T (p.Ala30Val)

Gene: KPNA7 (karyopherin subunit alpha 7; minus strand). Cytogenetic location: 7q22.1.
Variant type: single nucleotide variant.
Coding change: c.89C>T on transcript NM_001145715.3 (MANE Select); coding-DNA position 89, C replaced by T.
Protein change: p.Ala30Val; replaces alanine 30 with valine.
Molecular consequence: missense variant.
Genome position (GRCh38, 1-based): chr7:99,203,218, G>A on the plus strand (C>T on the coding strand, the complement: KPNA7 is on the minus strand). VCF-style: chr7-99203218-G-A. GRCh37 (hg19) VCF-style: chr7-98800841-G-A.
Other names: c.89C>T (NM_001145715.1); short protein forms A30V.
Identifiers: ClinVar variation 1427674 (VCV001427674.7), dbSNP rs529713562, ClinGen allele CA4363297.

ClinVar aggregate classification (germline): Uncertain significance. Review status: criteria provided, multiple submitters, no conflicts (2 of 4 stars). 3 submissions from 3 submitters: Uncertain significance (3). Last evaluated 2026-02-02.

Allele frequency attached by ClinVar (database versions not stated): gnomAD 0.00004 and 0.00011; TOPMed 0.00009; gnomAD exomes 0.00025; 1000 Genomes Project 0.00060; ExAC 0.00063; 1000 Genomes Project 30x 0.00141.
gnomAD v4.1: 200 of 1,551,496 alleles (0.013%); highest among the groups gnomAD compares: South Asian, 0.16%; 4 homozygotes.

Submissions (3):

Labcorp Genetics (formerly Invitae), Labcorp
Classification: Uncertain significance. Last evaluated: 2026-02-02. Review status: criteria provided, single submitter. Criteria: Invitae Variant Classification Sherloc (09022015). Collection method: clinical testing. Allele origin: germline.
Comment: This sequence change replaces alanine, which is neutral and non-polar, with valine, which is neutral and non-polar, at codon 30 of the KPNA7 protein (p.Ala30Val). This variant is present in population databases (rs529713562, gnomAD 0.1%). This variant has not been reported in the literature in individuals affected with KPNA7-related conditions. ClinVar contains an entry for this variant (Variation ID: 1427674). Invitae Evidence Modeling of protein sequence and biophysical properties (such as structural, functional, and spatial information, amino acid conservation, physicochemical variation, residue mobility, and thermodynamic stability) indicates that this missense variant is not expected to disrupt KPNA7 protein function with a negative predictive value of 80%. In summary, the available evidence is currently insufficient to determine the role of this variant in disease. Therefore, it has been classified as a Variant of Uncertain Significance.

Ambry Genetics
Classification: Uncertain significance. Last evaluated: 2023-05-03. Review status: criteria provided, single submitter. Criteria: Ambry Variant Classification Scheme 2023. Collection method: clinical testing. Allele origin: germline.

Breakthrough Genomics
Classification: Uncertain significance. Review status: criteria provided, single submitter. Criteria: ACMG Guidelines, 2015. Collection method: not provided. Allele origin: germline. Inheritance: Autosomal recessive inheritance. Affected: yes.